The following is an entry in ClinVar:

NM_001330260.2(SCN8A):c.5497G>T (p.Asp1833Tyr)

Gene: SCN8A (sodium voltage-gated channel alpha subunit 8; plus strand). Cytogenetic location: 12q13.13.
Variant type: single nucleotide variant.
Coding change: c.5497G>T on transcript NM_001330260.2 (MANE Select); coding-DNA position 5497, G replaced by T.
Protein change: p.Asp1833Tyr; replaces aspartic acid 1833 with tyrosine.
Molecular consequence: missense variant.
Genome position (GRCh38, 1-based): chr12:51,806,983, G>T. VCF-style: chr12-51806983-G-T. GRCh37 (hg19) VCF-style: chr12-52200767-G-T.
Other names: c.5374G>T, p.Asp1792Tyr (NM_001177984.3, NM_001369788.1); c.5497G>T, p.Asp1833Tyr (NM_014191.4); short protein forms D1792Y, D1833Y.
Identifiers: ClinVar variation 4801290 (VCV004801290.2).

ClinVar aggregate classification (germline): Conflicting classifications of pathogenicity. Review status: criteria provided, conflicting classifications (1 of 4 stars). 2 submissions from 2 submitters: Likely pathogenic (1); Uncertain significance (1). Last evaluated 2025-06-09.

Conditions:
Early-infantile DEE. Also called: Early infantile epileptic encephalopathy; Ohtahara syndrome; Early infantile epileptic encephalopathy with suppression bursts. Identifiers: Orphanet 1934, MedGen C0393706, MONDO:0800491.
SCN8A-related disorder.

Submissions (2):

Labcorp Genetics (formerly Invitae), Labcorp
Classification: Uncertain significance for Early-infantile DEE. Last evaluated: 2025-06-09. Review status: criteria provided, single submitter. Criteria: Invitae Variant Classification Sherloc (09022015). Collection method: clinical testing. Allele origin: germline.
Comment: This sequence change replaces aspartic acid, which is acidic and polar, with tyrosine, which is neutral and polar, at codon 1833 of the SCN8A protein (p.Asp1833Tyr). This variant is not present in population databases (gnomAD no frequency). This variant has not been reported in the literature in individuals affected with SCN8A-related conditions. Invitae Evidence Modeling of protein sequence and biophysical properties (such as structural, functional, and spatial information, amino acid conservation, physicochemical variation, residue mobility, and thermodynamic stability) indicates that this missense variant is expected to disrupt SCN8A protein function with a positive predictive value of 95%. In summary, the available evidence is currently insufficient to determine the role of this variant in disease. Therefore, it has been classified as a Variant of Uncertain Significance.

Blueprint Genetics
Classification: Likely pathogenic for SCN8A-related disorders. Last evaluated: 2021-07-21. Review status: criteria provided, single submitter. Criteria: ACMG Guidelines, 2015. Collection method: clinical testing. Allele origin: germline. Affected: yes. Observed: 1 variant allele.